The following is an entry in ClinVar:

NM_001376.5(DYNC1H1):c.10745G>A (p.Arg3582Gln)

Gene: DYNC1H1 (dynein cytoplasmic 1 heavy chain 1; plus strand). Cytogenetic location: 14q32.31.
Variant type: single nucleotide variant.
Coding change: c.10745G>A on transcript NM_001376.5 (MANE Select); coding-DNA position 10745, G replaced by A.
Protein change: p.Arg3582Gln; replaces arginine 3582 with glutamine.
Molecular consequence: missense variant.
Genome position (GRCh38, 1-based): chr14:102,034,443, G>A. VCF-style: chr14-102034443-G-A. GRCh37 (hg19) VCF-style: chr14-102500780-G-A.
Other names: short protein forms R3582Q.
Identifiers: ClinVar variation 1468299 (VCV001468299.6), dbSNP rs866994746, ClinGen allele CA266970428.
Genomic context (GRCh38, chr14:102,034,443, plus strand): 5'-GGCAGGCCAGCTCCTTGCCTGCTGATGACCTTTGCACAGAAAATGCCATCATGCTGAAAC[G>A]ATTCAATAGGTATGAGCTCGGGTGCCAAGGAGAGGCATGGGAGGAATGTGGGTGGTGATC-3'
Protein context (NP_001367.2, residues 3572-3592): LCTENAIMLK[Arg3582Gln]FNRYPLIIDP

ClinVar aggregate classification (germline): Uncertain significance (1 of 4 stars; one submission).

Conditions:
Charcot-Marie-Tooth disease axonal type 2O. Also called: CHARCOT-MARIE-TOOTH NEUROPATHY, AXONAL, TYPE 2O; CHARCOT-MARIE-TOOTH DISEASE, AXONAL, AUTOSOMAL DOMINANT, TYPE 2O; Charcot-Marie-Tooth Neuropathy Type 2O; Charcot-Marie-Tooth disease, axonal, type 20. Identifiers: Orphanet 284232, MedGen C3280220, MONDO:0013644, OMIM 614228.

Allele frequency attached by ClinVar (database versions not stated): gnomAD exomes below 0.00001.
gnomAD v4.1: 1 of 1,612,854 alleles (0.000062%); highest among the groups gnomAD compares: African/African-American, 0.0013%; no homozygotes.

Submission:

Labcorp Genetics (formerly Invitae), Labcorp
Classification: Uncertain significance for Charcot-Marie-Tooth disease axonal type 2O. Last evaluated: 2022-03-29. Review status: criteria provided, single submitter. Criteria: Invitae Variant Classification Sherloc (09022015). Collection method: clinical testing. Allele origin: germline.
Comment: In summary, the available evidence is currently insufficient to determine the role of this variant in disease. Therefore, it has been classified as a Variant of Uncertain Significance. Algorithms developed to predict the effect of missense changes on protein structure and function (SIFT, PolyPhen-2, Align-GVGD) all suggest that this variant is likely to be disruptive. This missense change has been observed in at least one individual who was not affected with DYNC1H1-related conditions (Invitae). This variant has not been reported in the literature in individuals affected with DYNC1H1-related conditions. This variant is not present in population databases (gnomAD no frequency). This sequence change replaces arginine, which is basic and polar, with glutamine, which is neutral and polar, at codon 3582 of the DYNC1H1 protein (p.Arg3582Gln).